The following is an entry in ClinVar:

ClinVar aggregate classification (germline): Uncertain significance (1 of 4 stars; one submission).

Allele frequency attached by ClinVar (database versions not stated): 1000 Genomes Project 30x 0.00021; gnomAD exomes 0.00001; TOPMed 0.00007; 1000 Genomes Project 0.00026; ExAC 0.00003; gnomAD 0.00009.

Submission:

Labcorp Genetics (formerly Invitae), Labcorp
Classification: Uncertain significance. Last evaluated: 2025-06-12. Review status: criteria provided, single submitter. Criteria: Invitae Variant Classification Sherloc (09022015). Collection method: clinical testing. Allele origin: germline.
Comment: This sequence change replaces phenylalanine, which is neutral and non-polar, with serine, which is neutral and polar, at codon 88 of the NXF5 protein (p.Phe88Ser). This variant is present in population databases (rs763073199, gnomAD 0.03%). This variant has not been reported in the literature in individuals affected with NXF5-related conditions. ClinVar contains an entry for this variant (Variation ID: 2902052). An algorithm developed to predict the effect of missense changes on protein structure and function outputs the following: PolyPhen-2: "Benign". The serine amino acid residue is found in multiple mammalian species, which suggests that this missense change does not adversely affect protein function. In summary, the available evidence is currently insufficient to determine the role of this variant in disease. Therefore, it has been classified as a Variant of Uncertain Significance.

NC_000023.11:g.101841536A>G

Gene: NXF5 (nuclear RNA export factor 5; minus strand). Cytogenetic location: Xq22.1.
Variant type: single nucleotide variant.
Molecular consequence: non-coding transcript variant (on NR_028089.1).
Genome position: GRCh38 VCF-style: chrX-101841536-A-G. GRCh37 (hg19) VCF-style: chrX-101096508-A-G.
Identifiers: ClinVar variation 2902052 (VCV002902052.3), dbSNP rs763073199, ClinGen allele CA10474682.